The following is an entry in ClinVar:

NM_032119.4(ADGRV1):c.16579_16580delinsAC (p.Gly5527Thr)

Gene: ADGRV1 (adhesion G protein-coupled receptor V1; plus strand). Cytogenetic location: 5q14.3.
Variant type: Indel.
Coding change: c.16579_16580delinsAC on transcript NM_032119.4 (MANE Select); coding-DNA positions 16579 to 16580, GG replaced by AC.
Protein change: p.Gly5527Thr; replaces glycine 5527 with threonine.
Molecular consequence: missense variant. On other transcripts: non-coding transcript variant (1).
Genome position (GRCh38, 1-based): chr5:90,829,154-90,829,155, GG replaced by AC. VCF-style: chr5-90829154-GG-AC. GRCh37 (hg19) VCF-style: chr5-90124971-GG-AC.
Other names: short protein forms G5527T.
Identifiers: ClinVar variation 2123573 (VCV002123573.4), dbSNP rs2532353233, ClinGen allele CA2580073758.

ClinVar aggregate classification (germline): Uncertain significance (1 of 4 stars; one submission).

Submission:

Labcorp Genetics (formerly Invitae), Labcorp
Classification: Uncertain significance. Last evaluated: 2022-06-11. Review status: criteria provided, single submitter. Criteria: Invitae Variant Classification Sherloc (09022015). Collection method: clinical testing. Allele origin: germline.
Comment: Algorithms developed to predict the effect of missense changes on protein structure and function are either unavailable or do not agree on the potential impact of this missense change (SIFT: "Not Available"; PolyPhen-2: "Probably Damaging"; Align-GVGD: "Not Available"). This variant has not been reported in the literature in individuals affected with ADGRV1-related conditions. Information on the frequency of this variant in the gnomAD database is not available, as this variant may be reported differently in the database. This sequence change replaces glycine, which is neutral and non-polar, with threonine, which is neutral and polar, at codon 5527 of the ADGRV1 protein (p.Gly5527Thr). In summary, the available evidence is currently insufficient to determine the role of this variant in disease. Therefore, it has been classified as a Variant of Uncertain Significance.